The following is an entry in ClinVar:

ClinVar aggregate classification (germline): Conflicting classifications of pathogenicity. Review status: criteria provided, conflicting classifications (1 of 4 stars). 2 submissions from 2 submitters: Uncertain significance (1); Likely benign (1). Last evaluated 2023-01-30.

Conditions:
Primary ciliary dyskinesia. Also called: Ciliary dyskinesia. Identifiers: Orphanet 244, MedGen C0008780, MONDO:0016575, HP:0012265.

Allele frequency attached by ClinVar (database versions not stated): gnomAD exomes below 0.00001; TOPMed 0.00001; ExAC 0.00003.
gnomAD v4.1: 7 of 1,599,630 alleles (0.00044%); highest among the groups gnomAD compares: Non-Finnish European, 0.00051%; no homozygotes.

Submissions (2):

Labcorp Genetics (formerly Invitae), Labcorp
Classification: Uncertain significance for Primary ciliary dyskinesia. Last evaluated: 2023-01-30. Review status: criteria provided, single submitter. Criteria: Invitae Variant Classification Sherloc (09022015). Collection method: clinical testing. Allele origin: germline.
Comment: This variant has not been reported in the literature in individuals affected with DNAH8-related conditions. This sequence change replaces alanine, which is neutral and non-polar, with threonine, which is neutral and polar, at codon 550 of the DNAH8 protein (p.Ala550Thr). This variant is present in population databases (rs748375168, gnomAD 0.003%). Algorithms developed to predict the effect of missense changes on protein structure and function output the following: SIFT: "Tolerated"; PolyPhen-2: "Not Available"; Align-GVGD: "Class C0". The threonine amino acid residue is found in multiple mammalian species, which suggests that this missense change does not adversely affect protein function. In summary, the available evidence is currently insufficient to determine the role of this variant in disease. Therefore, it has been classified as a Variant of Uncertain Significance.

Ambry Genetics
Classification: Likely benign. Last evaluated: 2022-12-21. Review status: criteria provided, single submitter. Criteria: Ambry Variant Classification Scheme 2023. Collection method: clinical testing. Allele origin: germline.

NM_001206927.2(DNAH8):c.1648G>A (p.Ala550Thr)

Gene: DNAH8 (dynein axonemal heavy chain 8; plus strand). Cytogenetic location: 6p21.2.
Variant type: single nucleotide variant.
Coding change: c.1648G>A on transcript NM_001206927.2 (MANE Select); coding-DNA position 1648, G replaced by A.
Protein change: p.Ala550Thr; replaces alanine 550 with threonine.
Molecular consequence: missense variant.
Genome position (GRCh38, 1-based): chr6:38,770,443, G>A. VCF-style: chr6-38770443-G-A. GRCh37 (hg19) VCF-style: chr6-38738219-G-A.
Other names: c.997G>A, p.Ala333Thr (NM_001371.4); short protein forms A333T, A550T.
Identifiers: ClinVar variation 2338581 (VCV002338581.4), dbSNP rs748375168, ClinGen allele CA3788288.